The following is an entry in ClinVar:

NM_019597.5(HNRNPH2):c.72C>T (p.Ala24=)

Genes: HNRNPH2 (heterogeneous nuclear ribonucleoprotein H2; plus strand), RPL36A-HNRNPH2 (RPL36A-HNRNPH2 readthrough; plus strand). Cytogenetic location: Xq22.1.
Variant type: single nucleotide variant.
Coding change: c.72C>T on transcript NM_019597.5 (MANE Select); coding-DNA position 72, C replaced by T.
Protein change: p.Ala24=; no amino-acid change (alanine 24 retained).
Molecular consequence: synonymous variant. On other transcripts: 3 prime UTR variant (2).
Genome position (GRCh38, 1-based): chrX:101,412,060, C>T. VCF-style: chrX-101412060-C-T. GRCh37 (hg19) VCF-style: chrX-100667048-C-T.
Other names: c.*68C>T (NM_001199973.2, NM_001199974.2); c.72C>T, p.Ala24= (NM_001032393.3).
Identifiers: ClinVar variation 4822504 (VCV004822504.4).

ClinVar aggregate classification (germline): Likely benign (1 of 4 stars; one submission).

gnomAD v4.1: 9 of 1,208,207 alleles (0.00074%); highest among the groups gnomAD compares: South Asian, 0.0018%; no homozygotes.

Submission:

CeGaT Center for Human Genetics Tuebingen
Classification: Likely benign. Last evaluated: 2026-03-01. Review status: criteria provided, single submitter. Criteria: CeGaT Center For Human Genetics Tuebingen Variant Classification Criteria Version 2. Collection method: clinical testing. Allele origin: germline. Affected: yes. Observed: 1 variant allele.
Comment: HNRNPH2: BP4, BP7